The following is an entry in ClinVar:

ClinVar aggregate classification (germline): Pathogenic (1 of 4 stars; one submission).

Submission:

Labcorp Genetics (formerly Invitae), Labcorp
Classification: Pathogenic. Last evaluated: 2022-05-12. Review status: criteria provided, single submitter. Criteria: Invitae Variant Classification Sherloc (09022015). Collection method: clinical testing. Allele origin: germline.
Comment: For these reasons, this variant has been classified as Pathogenic. ClinVar contains an entry for this variant (Variation ID: 1037489). This variant has not been reported in the literature in individuals affected with POLE-related conditions. This variant is not present in population databases (gnomAD no frequency). This sequence change creates a premature translational stop signal (p.Phe274Tyrfs*2) in the POLE gene. It is expected to result in an absent or disrupted protein product. Loss-of-function variants in POLE are known to be pathogenic (PMID: 23230001, 25948378, 30503519).

Literature cited by the submitters: PubMed 23230001; PubMed 25948378; PubMed 30503519.

NM_006231.4(POLE):c.821_825del (p.Phe274fs)

Gene: POLE (DNA polymerase epsilon, catalytic subunit; minus strand). Cytogenetic location: 12q24.33.
Variant type: Deletion.
Coding change: c.821_825del on transcript NM_006231.4 (MANE Select); coding-DNA positions 821 to 825, 5 bases deleted (TTGAC; older notation c.821_825delTTGAC).
Protein change: p.Phe274fs; shifts the reading frame from phenylalanine 274.
Molecular consequence: frameshift variant.
Genome position (GRCh38, 1-based): chr12:132,676,630-132,676,634, GTCAA deleted on the plus strand (TTGAC on the coding strand, the reverse complement: POLE is on the minus strand). VCF-style (leftmost placement, unchanged base first): chr12-132676629-TGTCAA-T. GRCh37 (hg19) VCF-style: chr12-133253215-TGTCAA-T.
Other names: short protein forms F274fs.
Identifiers: ClinVar variation 1037489 (VCV001037489.8), dbSNP rs2043060011, ClinGen allele CA2073003458.